The following is an entry in ClinVar:

NM_019892.6(INPP5E):c.507G>A (p.Pro169=)

Gene: INPP5E (inositol polyphosphate-5-phosphatase E; minus strand). Cytogenetic location: 9q34.3.
Variant type: single nucleotide variant.
Coding change: c.507G>A on transcript NM_019892.6 (MANE Select); coding-DNA position 507, G replaced by A.
Protein change: p.Pro169=; no amino-acid change (proline 169 retained).
Molecular consequence: synonymous variant.
Genome position (GRCh38, 1-based): chr9:136,438,913, C>T on the plus strand (G>A on the coding strand, the complement: INPP5E is on the minus strand). VCF-style: chr9-136438913-C-T. GRCh37 (hg19) VCF-style: chr9-139333365-C-T.
Other names: c.507G>A, p.Pro169= (NM_001318502.2).
Identifiers: ClinVar variation 4994192 (VCV004994192.1).

ClinVar aggregate classification (germline): Likely benign (1 of 4 stars; one submission).

Conditions:
INPP5E-related disorder. Also called: INPP5E-related condition.

Submission:

PreventionGenetics, part of Exact Sciences
Classification: Likely benign for INPP5E-related condition. Last evaluated: 2025-10-17. Review status: criteria provided, single submitter. Criteria: ACMG Guidelines, 2015. Collection method: clinical testing. Allele origin: germline.
Comment: This variant is classified as likely benign based on ACMG/AMP sequence variant interpretation guidelines (Richards et al. 2015 PMID: 25741868, with internal and published modifications).